The following is an entry in ClinVar:

ClinVar aggregate classification (germline): Uncertain significance (1 of 4 stars; one submission).

Conditions:
Hereditary breast ovarian cancer syndrome. Also called: Hereditary breast and ovarian cancer; Hereditary breast and ovarian cancer syndrome; Breast and ovarian cancer; BRCA1- and BRCA2-Associated Hereditary Breast and Ovarian Cancer; Hereditary breast and ovarian cancer syndrome (HBOC); Hereditary breast and/or ovarian cancer syndrome. Identifiers: Orphanet 145, MedGen C0677776, MeSH D061325, MONDO:0003582. Disease mechanism: loss of function.

Submission:

Labcorp Genetics (formerly Invitae), Labcorp
Classification: Uncertain significance for Hereditary breast ovarian cancer syndrome. Last evaluated: 2022-11-11. Review status: criteria provided, single submitter. Criteria: Invitae Variant Classification Sherloc (09022015). Collection method: clinical testing. Allele origin: germline.
Comment: This sequence change replaces tyrosine, which is neutral and polar, with histidine, which is basic and polar, at codon 465 of the BRCA1 protein (p.Tyr465His). This variant is not present in population databases (gnomAD no frequency). This variant has not been reported in the literature in individuals affected with BRCA1-related conditions. Advanced modeling of protein sequence and biophysical properties (such as structural, functional, and spatial information, amino acid conservation, physicochemical variation, residue mobility, and thermodynamic stability) performed at Invitae indicates that this missense variant is expected to disrupt BRCA1 protein function. In summary, the available evidence is currently insufficient to determine the role of this variant in disease. Therefore, it has been classified as a Variant of Uncertain Significance.

NM_007294.4(BRCA1):c.1393T>C (p.Tyr465His)

Gene: BRCA1 (BRCA1 DNA repair associated; minus strand). Cytogenetic location: 17q21.31.
Variant type: single nucleotide variant.
Coding change: c.1393T>C on transcript NM_007294.4 (MANE Select); coding-DNA position 1393, T replaced by C.
Protein change: p.Tyr465His; replaces tyrosine 465 with histidine.
Molecular consequence: missense variant. On other transcripts: intron variant (137).
Genome position (GRCh38, 1-based): chr17:43,094,138, A>G on the plus strand (T>C on the coding strand, the complement: BRCA1 is on the minus strand). VCF-style: chr17-43094138-A-G. GRCh37 (hg19) VCF-style: chr17-41246155-A-G.
Other names: c.784+606T>C (NM_001408402.1, NM_001408473.1, NM_001408399.1 and 13 more transcripts); c.664+606T>C (NM_001408443.1, NM_001408439.1, NM_001408425.1 and 12 more transcripts); c.670+1708T>C (NM_001408419.1, NM_001408422.1, NM_001408418.1 and 2 more transcripts); c.787+606T>C (NM_001408403.1, NM_001407983.1, NM_001407975.1 and 19 more transcripts); c.790+603T>C (NM_001408406.1); c.646+606T>C (NM_001408456.1, NM_001408410.1, NM_001408458.1 and 11 more transcripts); c.643+606T>C (NM_001408465.1, NM_001408463.1, NM_001408462.1 and 3 more transcripts); c.577+606T>C (NM_001408482.1, NM_001408484.1, NM_001408478.1 and 9 more transcripts); and 40 more; short protein forms Y338H, Y297H, Y377H, Y423H, Y395H, Y397H, Y417H, Y439H.
Identifiers: ClinVar variation 2813703 (VCV002813703.3), dbSNP rs397508869, ClinGen allele CA10599258.